The following is an entry in ClinVar:

NM_005502.4(ABCA1):c.4877A>T (p.His1626Leu)

Gene: ABCA1 (ATP binding cassette subfamily A member 1; minus strand). Cytogenetic location: 9q31.1.
Variant type: single nucleotide variant.
Coding change: c.4877A>T on transcript NM_005502.4 (MANE Select); coding-DNA position 4877, A replaced by T.
Protein change: p.His1626Leu; replaces histidine 1626 with leucine.
Molecular consequence: missense variant.
Genome position (GRCh38, 1-based): chr9:104,799,885, T>A on the plus strand (A>T on the coding strand, the complement: ABCA1 is on the minus strand). VCF-style: chr9-104799885-T-A. GRCh37 (hg19) VCF-style: chr9-107562166-T-A.
Other names: short protein forms H1626L.
Identifiers: ClinVar variation 3491564 (VCV003491564.1).
Genomic context (GRCh38, chr9:104,799,885, plus strand): 5'-ACCTCTGAGAGCTGCTGCTTGGTGAGATTCAGGGGATGATTGAAAGCAGTAATTCCATAA[T>A]GGCTAGGGTTCTCTCCCTTTTGCAGGTTGGCCCGGAGAATGGCATTGTTGATGACATTCA-3'
Protein context (NP_005493.2, residues 1616-1636): ANLQKGENPS[His1626Leu]YGITAFNHPL

ClinVar aggregate classification (germline): Uncertain significance (1 of 4 stars; one submission).

Conditions:
Cardiovascular phenotype. Identifiers: MedGen CN230736.

Submission:

Ambry Genetics
Classification: Uncertain significance for Cardiovascular phenotype. Last evaluated: 2024-07-24. Review status: criteria provided, single submitter. Criteria: Ambry Variant Classification Scheme 2023. Collection method: clinical testing. Allele origin: germline.
Comment: The p.H1626L variant (also known as c.4877A>T), located in coding exon 35 of the ABCA1 gene, results from an A to T substitution at nucleotide position 4877. The histidine at codon 1626 is replaced by leucine, an amino acid with similar properties. This amino acid position is conserved. In addition, this alteration is predicted to be tolerated by in silico analysis. Based on the available evidence, the clinical significance of this variant remains unclear.